The following is an entry in ClinVar:

ClinVar aggregate classification (germline): Uncertain significance. Review status: criteria provided, multiple submitters, no conflicts (2 of 4 stars). 3 submissions from 3 submitters: Uncertain significance (3). Last evaluated 2025-03-22.

Conditions:
Inborn genetic diseases. Identifiers: MedGen C0950123, MeSH D030342.
3M syndrome 1. Also called: 3-M Syndrome, CUL7-Related. Identifiers: Orphanet 2616, MedGen C2678312, MONDO:0010117, OMIM 273750.

Allele frequency attached by ClinVar (database versions not stated): gnomAD 0.00012 and 0.00013; TOPMed 0.00015; gnomAD exomes 0.00017; ExAC 0.00021; ESP Exome Variant Server 0.00038.
gnomAD v4.1: 359 of 1,613,878 alleles (0.022%); highest among the groups gnomAD compares: Non-Finnish European, 0.029%; no homozygotes.

Submissions (3):

Ambry Genetics
Classification: Uncertain significance for Inborn genetic diseases. Last evaluated: 2025-03-22. Review status: criteria provided, single submitter. Criteria: Ambry Variant Classification Scheme 2023. Collection method: clinical testing. Allele origin: germline.

Labcorp Genetics (formerly Invitae), Labcorp
Classification: Uncertain significance. Last evaluated: 2022-07-12. Review status: criteria provided, single submitter. Criteria: Invitae Variant Classification Sherloc (09022015). Collection method: clinical testing. Allele origin: germline.
Comment: This sequence change replaces arginine, which is basic and polar, with glutamine, which is neutral and polar, at codon 256 of the CUL7 protein (p.Arg256Gln). This variant is present in population databases (rs151210822, gnomAD 0.03%). This variant has not been reported in the literature in individuals affected with CUL7-related conditions. ClinVar contains an entry for this variant (Variation ID: 909443). Algorithms developed to predict the effect of missense changes on protein structure and function are either unavailable or do not agree on the potential impact of this missense change (SIFT: "Deleterious"; PolyPhen-2: "Benign"; Align-GVGD: "Class C0"). Algorithms developed to predict the effect of sequence changes on RNA splicing suggest that this variant may create or strengthen a splice site. In summary, the available evidence is currently insufficient to determine the role of this variant in disease. Therefore, it has been classified as a Variant of Uncertain Significance.

Illumina Laboratory Services, Illumina
Classification: Uncertain significance for 3M syndrome 1. Last evaluated: 2018-01-13. Review status: criteria provided, single submitter. Criteria: ICSL Variant Classification Criteria 13 December 2019. Collection method: clinical testing. Allele origin: germline.

NM_014780.5(CUL7):c.767G>A (p.Arg256Gln)

Gene: CUL7 (cullin 7; minus strand). Cytogenetic location: 6p21.1.
Variant type: single nucleotide variant.
Coding change: c.767G>A on transcript NM_014780.5 (MANE Select); coding-DNA position 767, G replaced by A.
Protein change: p.Arg256Gln; replaces arginine 256 with glutamine.
Molecular consequence: missense variant.
Genome position (GRCh38, 1-based): chr6:43,051,434, C>T on the plus strand (G>A on the coding strand, the complement: CUL7 is on the minus strand). VCF-style: chr6-43051434-C-T. GRCh37 (hg19) VCF-style: chr6-43019172-C-T.
Other names: c.863G>A, p.Arg288Gln (NM_001168370.2, NM_001374872.1); c.767G>A, p.Arg256Gln (NM_001374873.1, NM_001374874.1); short protein forms R288Q, R256Q.
Identifiers: ClinVar variation 909443 (VCV000909443.7), dbSNP rs151210822, ClinGen allele CA3814301.